The following is an entry in ClinVar:

GRCh37/hg19 15q21.1(chr15:48179968-48727846)x1

Genes: CTXN2 (cortexin 2; plus strand), DUT (deoxyuridine triphosphatase; plus strand), FBN1 (fibrillin 1; minus strand), MYEF2 (myelin expression factor 2; minus strand), SLC12A1 (solute carrier family 12 member 1; plus strand) and 1 more. Cytogenetic location: 15q21.1.
Variant type: copy number loss.
Change: copy number 1 (one copy instead of two) of chr15:48,179,968-48,727,846 (547.9 kb, GRCh37 coordinates, 1-based), cytogenetic band 15q21.1.
Identifiers: ClinVar variation 1341108 (VCV001341108.1).

ClinVar aggregate classification (germline): Pathogenic (0 of 4 stars; one submission).

Submission:

Quest Diagnostics Nichols Institute San Juan Capistrano
Classification: Pathogenic. Last evaluated: 2021-02-01. Review status: no assertion criteria provided. Collection method: clinical testing. Allele origin: germline.
Comment: This copy number loss of 15q21.1q21.2 involves several OMIM genes including FBN1 (OMIM *134797) and is expected to cause phenotypic and/or developmental abnormalities. Haploinsufficiency of FBN1 is consistent with autosomal dominant Marfan syndrome (MFS; OMIM #154700) and its allelic disorders (OMIM #: 102370, 129600, 614185, 61694, 604308, 184900, 608328), which displays variable manifestations in the cardiovascular, ocular and skeletal systems (Matyas et al., Hum Genet. 2007 Aug;122(1):23-32, PMID: 17492313; Furtado et al., BMC Med Genet. 2011 Sep 21;12:119. doi: 10.1186/1471-2350-12-119, PMID:21936929). Additionally, similar contiguous gene deletions involving additional genes encompassed in this deletion have been reported in literature in patients with MFS features as well as a variable constellation of neurological/neuropsychiatric features, including Intellectual disability, ADHD, muscular hypotonia, and seizures (Dordoni et al., Am J Med Genet A. 2017 Jan;173(1):200-206. PMID: 27615407; Hilhorst-Hofstee et al., Eur J Hum Genet. 2011 Mar;19(3):247-52. PMID: 21063442; Faivre et al., Eur J Med Genet. 2010 Jul-Aug;53(4):208-12. PMID: 20478419).